The following is an entry in ClinVar:

ClinVar aggregate classification (germline): Uncertain significance (1 of 4 stars; one submission).

Conditions:
Amyotrophic lateral sclerosis type 1 (ALS1). Also called: AMYOTROPHIC LATERAL SCLEROSIS 1, FAMILIAL. Identifiers: Orphanet 803, MedGen C1862939, MONDO:0007103, OMIM 105400.
Neuronopathy, distal hereditary motor, type 7B. Also called: NEURONOPATHY, DISTAL HEREDITARY MOTOR, AUTOSOMAL DOMINANT 14; NEURONOPATHY, DISTAL HEREDITARY MOTOR, HARDING TYPE VIIB; NEUROPATHY, DISTAL HEREDITARY MOTOR, HARDING TYPE VIIB; NEUROPATHY, DISTAL HEREDITARY MOTOR, WITH VOCAL CORD PARALYSIS, HARDING TYPE VIIB; Distal Hereditary Motor Neuronopathy Type 7B (dHMN7B); HMN VIIB. Identifiers: Orphanet 139589, MedGen C1843315, MONDO:0011879, OMIM 607641.
Perry syndrome. Also called: PARKINSONISM WITH ALVEOLAR HYPOVENTILATION AND MENTAL DEPRESSION. Identifiers: Orphanet 178509, MedGen C1868594, MONDO:0008201, OMIM 168605.

Submission:

Labcorp Genetics (formerly Invitae), Labcorp
Classification: Uncertain significance for Amyotrophic lateral sclerosis type 1; Neuronopathy, distal hereditary motor, type 7B; Perry syndrome. Last evaluated: 2018-11-09. Review status: criteria provided, single submitter. Criteria: Invitae Variant Classification Sherloc (09022015). Collection method: clinical testing. Allele origin: germline.
Comment: This sequence change creates a premature translational stop signal (p.Glu911Glyfs*3) in the DCTN1 gene. It is expected to result in an absent or disrupted protein product. In summary, the available evidence is currently insufficient to determine the role of this variant in disease. Therefore, it has been classified as a Variant of Uncertain Significance. The current clinical and genetic evidence is not sufficient to establish whether loss-of-function variants in DCTN1 cause disease. This variant has not been reported in the literature in individuals with DCTN1-related disease. This variant is not present in population databases (ExAC no frequency).

NM_004082.5(DCTN1):c.2731dup (p.Glu911fs)

Gene: DCTN1 (dynactin subunit 1; minus strand). Cytogenetic location: 2p13.1.
Variant type: Duplication.
Coding change: c.2731dup on transcript NM_004082.5 (MANE Select); coding-DNA position 2731, one base duplicated (G; older notation c.2731dupG).
Protein change: p.Glu911fs; shifts the reading frame from glutamic acid 911.
Molecular consequence: frameshift variant. On other transcripts: non-coding transcript variant (1).
Genome position (GRCh38, 1-based): chr2:74,366,273, C duplicated on the plus strand (G on the coding strand, the reverse complement: DCTN1 is on the minus strand); the first of 5 consecutive C bases (chr2:74,366,273-74,366,277); duplicating any one gives the same sequence. VCF-style (leftmost placement, unchanged base first): chr2-74366272-T-TC. GRCh37 (hg19) VCF-style: chr2-74593399-T-TC.
Other names: c.2671dup, p.Glu891fs (NM_001135040.3); c.2329dup, p.Glu777fs (NM_001135041.3, NM_023019.4); c.2620dup, p.Glu874fs (NM_001190836.2); c.2710dup, p.Glu904fs (NM_001190837.2); c.2680dup, p.Glu894fs (NM_001378991.1); c.2662dup, p.Glu888fs (NM_001378992.1); c.2731dupG (NM_004082.4); short protein forms E777fs, E904fs, E911fs, E874fs, E891fs, E888fs, E894fs.
Identifiers: ClinVar variation 650790 (VCV000650790.7), dbSNP rs1573151165, ClinGen allele CA915944049.
Genomic context (GRCh38, chr2:74,366,272, plus strand): 5'-TCTGCAACTTCTCCAAGGAAATCTCCACCTACCTTGCTGGGGGGCCGCTCTGCATCATAC[T>TC]CCCCCTCCTGCATGGCTGTGGCCAGCTTGTTCATGGTACTGATGAGGATGTTGCATGACT-3'